The following is an entry in ClinVar:

NM_004444.5(EPHB4):c.1582C>G (p.Leu528Val)

Gene: EPHB4 (EPH receptor B4; minus strand). Cytogenetic location: 7q22.1.
Variant type: single nucleotide variant.
Coding change: c.1582C>G on transcript NM_004444.5 (MANE Select); coding-DNA position 1582, C replaced by G.
Protein change: p.Leu528Val; replaces leucine 528 with valine.
Molecular consequence: missense variant.
Genome position (GRCh38, 1-based): chr7:100,817,198, G>C on the plus strand (C>G on the coding strand, the complement: EPHB4 is on the minus strand). VCF-style: chr7-100817198-G-C. GRCh37 (hg19) VCF-style: chr7-100414820-G-C.
Other names: p.Leu528Val; c.1582C>G (NM_004444.4); short protein forms L528V.
Identifiers: ClinVar variation 2985997 (VCV002985997.5), dbSNP rs749734111, ClinGen allele CA4392935.
Genomic context (GRCh38, chr7:100,817,198, plus strand): 5'-AGGAACTTTGGGGGTCTTTCCAACCCCCACCCTCACCCCCTTCCCCAGGCTCACCATCCA[G>C]TTGGGTCTGGCTGTGATGTTCCTGGCCGAAGGGCCCGTAGCCGGCCTCAGAGCGCGCCCG-3'
Protein context (NP_004435.3, residues 518-538): FGQEHHSQTQ[Leu528Val]DESEGWREQL

ClinVar aggregate classification (germline): Conflicting classifications of pathogenicity. Review status: criteria provided, conflicting classifications (1 of 4 stars). 3 submissions from 3 submitters: Uncertain significance (2); Likely benign (1). Last evaluated 2025-10-20.

Conditions:
Cardiovascular phenotype. Identifiers: MedGen CN230736.

Allele frequency attached by ClinVar (database versions not stated): ExAC 0.00001; gnomAD 0.00003; TOPMed 0.00006.
gnomAD v4.1: 51 of 1,557,452 alleles (0.0033%); highest among the groups gnomAD compares: African/African-American, 0.0042%; no homozygotes.

Submissions (3):

Mayo Clinic Laboratories, Mayo Clinic
Classification: Uncertain significance. Last evaluated: 2025-10-20. Review status: criteria provided, single submitter. Criteria: ACMG Guidelines, 2015. Collection method: clinical testing. Allele origin: germline. Observed: 1 variant allele.
Comment: BP4_moderate

Ambry Genetics
Classification: Likely benign for Cardiovascular phenotype. Last evaluated: 2025-07-06. Review status: criteria provided, single submitter. Criteria: Ambry Variant Classification Scheme 2023. Collection method: clinical testing. Allele origin: germline.

Labcorp Genetics (formerly Invitae), Labcorp
Classification: Uncertain significance. Last evaluated: 2023-03-20. Review status: criteria provided, single submitter. Criteria: Invitae Variant Classification Sherloc (09022015). Collection method: clinical testing. Allele origin: germline.
Comment: In summary, the available evidence is currently insufficient to determine the role of this variant in disease. Therefore, it has been classified as a Variant of Uncertain Significance. Advanced modeling of protein sequence and biophysical properties (such as structural, functional, and spatial information, amino acid conservation, physicochemical variation, residue mobility, and thermodynamic stability) performed at Invitae indicates that this missense variant is not expected to disrupt EPHB4 protein function. This variant has not been reported in the literature in individuals affected with EPHB4-related conditions. This variant is present in population databases (rs749734111, gnomAD 0.005%). This sequence change replaces leucine, which is neutral and non-polar, with valine, which is neutral and non-polar, at codon 528 of the EPHB4 protein (p.Leu528Val).